The following is an entry in ClinVar:

NM_003401.5(XRCC4):c.182T>C (p.Met61Thr)

Gene: XRCC4 (X-ray repair cross complementing 4; plus strand). Cytogenetic location: 5q14.2.
Variant type: single nucleotide variant.
Coding change: c.182T>C on transcript NM_003401.5 (MANE Select); coding-DNA position 182, T replaced by C.
Protein change: p.Met61Thr; replaces methionine 61 with threonine.
Molecular consequence: missense variant.
Genome position (GRCh38, 1-based): chr5:83,111,070, T>C. VCF-style: chr5-83111070-T-C. GRCh37 (hg19) VCF-style: chr5-82406889-T-C.
Other names: c.182T>C, p.Met61Thr (NM_001318012.3, NM_001318013.2, NM_022406.5 and 1 more transcripts); short protein forms M61T.
Identifiers: ClinVar variation 1514743 (VCV001514743.6), dbSNP rs760546308, ClinGen allele CA3332103.

ClinVar aggregate classification (germline): Uncertain significance (1 of 4 stars; one submission).

Allele frequency attached by ClinVar (database versions not stated): ExAC 0.00001; gnomAD exomes 0.00001.
gnomAD v4.1: 4 of 1,611,422 alleles (0.00025%); highest among the groups gnomAD compares: East Asian, 0.009%; no homozygotes.

Submission:

Labcorp Genetics (formerly Invitae), Labcorp
Classification: Uncertain significance. Last evaluated: 2021-02-19. Review status: criteria provided, single submitter. Criteria: Invitae Variant Classification Sherloc (09022015). Collection method: clinical testing. Allele origin: germline.
Comment: This sequence change replaces methionine with threonine at codon 61 of the XRCC4 protein (p.Met61Thr). The methionine residue is highly conserved and there is a moderate physicochemical difference between methionine and threonine. This variant is present in population databases (rs760546308, ExAC 0.01%). This variant has not been reported in the literature in individuals with XRCC4-related conditions. Algorithms developed to predict the effect of missense changes on protein structure and function are either unavailable or do not agree on the potential impact of this missense change (SIFT: "Not Available"; PolyPhen-2: "Possibly Damaging"; Align-GVGD: "Not Available"). In summary, the available evidence is currently insufficient to determine the role of this variant in disease. Therefore, it has been classified as a Variant of Uncertain Significance.